The following is an entry in ClinVar:

ClinVar aggregate classification (germline): Uncertain significance. Review status: criteria provided, multiple submitters, no conflicts (2 of 4 stars). 3 submissions from 3 submitters: Uncertain significance (3). Last evaluated 2024-12-09.

Conditions:
Inborn genetic diseases. Identifiers: MedGen C0950123, MeSH D030342.

Allele frequency attached by ClinVar (database versions not stated): TOPMed 0.00002; gnomAD exomes 0.00004.
gnomAD v4.1: 66 of 1,613,282 alleles (0.0041%); highest among the groups gnomAD compares: Non-Finnish European, 0.0047%; no homozygotes.

Submissions (3):

Women's Health and Genetics/Laboratory Corporation of America, LabCorp
Classification: Uncertain significance. Last evaluated: 2024-12-09. Review status: criteria provided, single submitter. Criteria: LabCorp Variant Classification Summary - May 2015. Collection method: clinical testing. Allele origin: germline.
Comment: Variant summary: COL4A4 c.1205G>A (p.Gly402Asp) results in a non-conservative amino acid change located in the Collagen triple helix repeat (IPR008160) of the encoded protein sequence. Four of five in-silico tools predict a damaging effect of the variant on protein function. Consensus agreement among computation tools predict no significant impact on normal splicing. However, these predictions have yet to be confirmed by functional studies. The variant allele was found at a frequency of 2.5e-05 in 322142 control chromosomes. The available data on variant occurrences in the general population are insufficient to allow any conclusion about variant significance. To our knowledge, no occurrence of c.1205G>A in individuals affected with Alport Syndrome, Autosomal Recessive and no experimental evidence demonstrating its impact on protein function have been reported. The following publication has been ascertained in the context of this evaluation (PMID: 34400539). ClinVar contains an entry for this variant (Variation ID: 2251533). Based on the evidence outlined above, the variant was classified as uncertain significance.

GeneDx
Classification: Uncertain significance. Last evaluated: 2024-05-09. Review status: criteria provided, single submitter. Criteria: GeneDx Variant Classification Process June 2021. Collection method: clinical testing. Allele origin: germline. Affected: yes.
Comment: In silico analysis supports that this missense variant has a deleterious effect on protein structure/function; Has not been previously published as pathogenic or benign to our knowledge; Affects a glycine residue in a Gly-X-Y motif in the triple helical region of the COL4A4 gene

Ambry Genetics
Classification: Uncertain significance for Inborn genetic diseases. Last evaluated: 2021-09-17. Review status: criteria provided, single submitter. Criteria: Ambry Variant Classification Scheme 2023. Collection method: clinical testing. Allele origin: germline.

Literature cited by the submitters: PubMed 34400539 (cited by Women's Health and Genetics/Laboratory Corporation of America, LabCorp).

NM_000092.5(COL4A4):c.1205G>A (p.Gly402Asp)

Gene: COL4A4 (collagen type IV alpha 4 chain; minus strand). Cytogenetic location: 2q36.3.
Variant type: single nucleotide variant.
Coding change: c.1205G>A on transcript NM_000092.5 (MANE Select); coding-DNA position 1205, G replaced by A.
Protein change: p.Gly402Asp; replaces glycine 402 with aspartic acid.
Molecular consequence: missense variant.
Genome position (GRCh38, 1-based): chr2:227,094,289, C>T on the plus strand (G>A on the coding strand, the complement: COL4A4 is on the minus strand). VCF-style: chr2-227094289-C-T. GRCh37 (hg19) VCF-style: chr2-227959005-C-T.
Other names: short protein forms G402D.
Identifiers: ClinVar variation 2251533 (VCV002251533.4), dbSNP rs201233834, ClinGen allele CA2145241.